The following is an entry in ClinVar:

NM_007118.4(TRIO):c.2135G>A (p.Arg712His)

Gene: TRIO (trio Rho guanine nucleotide exchange factor; plus strand). Cytogenetic location: 5p15.2.
Variant type: single nucleotide variant.
Coding change: c.2135G>A on transcript NM_007118.4 (MANE Select); coding-DNA position 2135, G replaced by A.
Protein change: p.Arg712His; replaces arginine 712 with histidine.
Molecular consequence: missense variant. On other transcripts: non-coding transcript variant (1).
Genome position (GRCh38, 1-based): chr5:14,358,266, G>A. VCF-style: chr5-14358266-G-A. GRCh37 (hg19) VCF-style: chr5-14358375-G-A.
Other names: c.2135G>A (NM_007118.3); short protein forms R712H.
Identifiers: ClinVar variation 2474928 (VCV002474928.4), dbSNP rs370241914, ClinGen allele CA3205813.

ClinVar aggregate classification (germline): Likely benign. Review status: criteria provided, single submitter (1 of 4 stars). 2 submissions from 2 submitters: Likely benign (1). 1 of the submissions does not count toward it. Last evaluated 2023-01-10.

Conditions:
TRIO-related disorder. Also called: TRIO-related condition; TRIO-related disorders.
Inborn genetic diseases. Identifiers: MedGen C0950123, MeSH D030342.

Allele frequency attached by ClinVar (database versions not stated): gnomAD 0.00002; ExAC 0.00005; TOPMed 0.00006; ESP Exome Variant Server 0.00008.
gnomAD v4.1: 69 of 1,614,066 alleles (0.0043%); highest among the groups gnomAD compares: Non-Finnish European, 0.0057%; no homozygotes.

Submissions (2):

Ambry Genetics
Classification: Likely benign for Inborn genetic diseases. Last evaluated: 2023-01-10. Review status: criteria provided, single submitter. Criteria: Ambry Variant Classification Scheme 2023. Collection method: clinical testing. Allele origin: germline.

PreventionGenetics, part of Exact Sciences
Classification: Likely benign for TRIO-related condition. Last evaluated: 2019-06-25. Review status: no assertion criteria provided. Collection method: clinical testing. Allele origin: germline. Not counted in ClinVar's aggregate classification.
Comment: This variant is classified as likely benign based on ACMG/AMP sequence variant interpretation guidelines (Richards et al. 2015 PMID: 25741868, with internal and published modifications).